The following is an entry in ClinVar:

ClinVar aggregate classification (germline): Conflicting classifications of pathogenicity. Review status: criteria provided, conflicting classifications (1 of 4 stars). 3 submissions from 3 submitters: Uncertain significance (1); Benign (2). Last evaluated 2026-07-15.

Conditions:
Hereditary cancer-predisposing syndrome. Also called: Neoplastic Syndromes, Hereditary; Tumor predisposition; Hereditary Cancer Syndrome; Hereditary neoplastic syndrome. Identifiers: Orphanet 140162, MedGen C0027672, MeSH D009386, MONDO:0015356.
Rhabdoid tumor predisposition syndrome 2 (RTPS2). Identifiers: Orphanet 231108, Orphanet 69077, MedGen C2750074, MONDO:0013224, OMIM 613325.

Allele frequency attached by ClinVar (database versions not stated): ESP Exome Variant Server 0.00039; gnomAD exomes 0.00004 and 0.00014; 1000 Genomes Project 0.00020; TOPMed 0.00018; ExAC 0.00033; 1000 Genomes Project 30x 0.00016.
gnomAD v4.1: 96 of 1,533,714 alleles (0.0063%); highest among the groups gnomAD compares: African/African-American, 0.085%; no homozygotes.

Submissions (3):

Myriad Genetics, Inc.
Classification: Benign for Rhabdoid tumor predisposition syndrome 2. Last evaluated: 2026-07-15. Review status: criteria provided, single submitter. Criteria: Myriad Autosomal Dominant, Autosomal Recessive and X-Linked Classification Criteria (2023). Collection method: clinical testing. Allele origin: unknown.
Comment: This variant is considered benign. This variant is intronic and is not expected to impact mRNA splicing. This variant has been observed at a population frequency that is significantly greater than expected given the associated disease prevalence and penetrance.

Labcorp Genetics (formerly Invitae), Labcorp
Classification: Benign for Rhabdoid tumor predisposition syndrome 2. Last evaluated: 2026-01-27. Review status: criteria provided, single submitter. Criteria: Invitae Variant Classification Sherloc (09022015). Collection method: clinical testing. Allele origin: germline.

Ambry Genetics
Classification: Uncertain significance for Hereditary cancer-predisposing syndrome. Last evaluated: 2015-11-09. Review status: criteria provided, single submitter. Criteria: Ambry Variant Classification Scheme 2023. Collection method: clinical testing. Allele origin: germline.
Comment: The c.3952-20G>A intronic alteration consists of a G to A substitution 20 nucleotides before coding exon 28 in the SMARCA4 gene. Based on insufficient or conflicting evidence, the clinical significance of this alteration remains unclear.

NM_003072.5(SMARCA4):c.3952-20G>A

Gene: SMARCA4 (SWI/SNF related BAF chromatin remodeling complex subunit ATPase 4; plus strand). Cytogenetic location: 19p13.2.
Variant type: single nucleotide variant.
Coding change: c.3952-20G>A on transcript NM_003072.5 (MANE Select); 20 bases into the intron before coding-DNA position 3952, G replaced by A.
Molecular consequence: intron variant.
Genome position (GRCh38, 1-based): chr19:11,034,894, G>A. VCF-style: chr19-11034894-G-A. GRCh37 (hg19) VCF-style: chr19-11145570-G-A.
Other names: c.3952-20G>A (NM_001128844.3, NM_001128849.3, NM_001387283.1 and 1 more transcripts); c.3853-20G>A (NM_001128847.4, NM_001374457.1, NM_001128845.2 and 2 more transcripts).
Identifiers: ClinVar variation 1612259 (VCV001612259.10), dbSNP rs369464237, ClinGen allele CA9204577.